The following is an entry in ClinVar:

NM_203486.3(DLL3):c.580C>A (p.Arg194Ser)

Genes: DLL3 (delta like canonical Notch ligand 3; plus strand), LOC130064417 (ATAC-STARR-seq lymphoblastoid silent region 10608; plus strand). Cytogenetic location: 19q13.2.
Variant type: single nucleotide variant.
Coding change: c.580C>A on transcript NM_203486.3 (MANE Select); coding-DNA position 580, C replaced by A.
Protein change: p.Arg194Ser; replaces arginine 194 with serine.
Molecular consequence: missense variant.
Genome position (GRCh38, 1-based): chr19:39,502,985, C>A. VCF-style: chr19-39502985-C-A. GRCh37 (hg19) VCF-style: chr19-39993625-C-A.
Other names: c.580C>A, p.Arg194Ser (NM_016941.4); short protein forms R194S.
Identifiers: ClinVar variation 2053875 (VCV002053875.4), dbSNP rs1293083476, ClinGen allele CA405796001.

ClinVar aggregate classification (germline): Uncertain significance (1 of 4 stars; one submission).

Submission:

Labcorp Genetics (formerly Invitae), Labcorp
Classification: Uncertain significance. Last evaluated: 2025-04-14. Review status: criteria provided, single submitter. Criteria: Invitae Variant Classification Sherloc (09022015). Collection method: clinical testing. Allele origin: germline.
Comment: This sequence change replaces arginine, which is basic and polar, with serine, which is neutral and polar, at codon 194 of the DLL3 protein (p.Arg194Ser). This variant is not present in population databases (gnomAD no frequency). This variant has not been reported in the literature in individuals affected with DLL3-related conditions. ClinVar contains an entry for this variant (Variation ID: 2053875). An algorithm developed to predict the effect of missense changes on protein structure and function (PolyPhen-2) suggests that this variant is likely to be tolerated. In summary, the available evidence is currently insufficient to determine the role of this variant in disease. Therefore, it has been classified as a Variant of Uncertain Significance.